The following is an entry in ClinVar:

ClinVar aggregate classification (germline): Likely pathogenic (1 of 4 stars; one submission).

Conditions:
Hyperglycinuria. Also called: GLYCINURIA WITH OR WITHOUT OXALATE NEPHROLITHIASIS; GLYCINURIA WITH OR WITHOUT OXALATE UROLITHIASIS; IMINOGLYCINURIA TYPE II. Identifiers: MedGen C0543541, MONDO:0007677, OMIM 138500, HP:0003108.

Submission:

Neuberg Centre For Genomic Medicine, NCGM
Classification: Likely pathogenic for Hyperglycinuria. Review status: criteria provided, single submitter. Criteria: ACMG Guidelines, 2015. Collection method: clinical testing. Allele origin: germline. Inheritance: Autosomal dominant inheritance. Affected: yes.
Comment: The splice site c.774+2T>G variant in SLC6A19 gene has not been reported previously as a pathogenic variant nor as a benign variant, to our knowledge. This variant affects the invariant splice site. The variant is novel (not in any individuals) in 1000 Genomes and in gnomAD. Loss of function variants have been previously reported to be disease causing. For these reasons, this variant has been classified as Likely Pathogenic.

NM_001003841.3(SLC6A19):c.774+2T>G

Gene: SLC6A19 (solute carrier family 6 member 19; plus strand). Cytogenetic location: 5p15.33.
Variant type: single nucleotide variant.
Coding change: c.774+2T>G on transcript NM_001003841.3 (MANE Select); the canonical splice donor site of the intron after coding-DNA position 774, T replaced by G.
Molecular consequence: splice donor variant.
Genome position (GRCh38, 1-based): chr5:1,213,575, T>G. VCF-style: chr5-1213575-T-G. GRCh37 (hg19) VCF-style: chr5-1213690-T-G.
Identifiers: ClinVar variation 2585140 (VCV002585140.1), dbSNP rs2477939209, ClinGen allele CA359067848.